The following is an entry in ClinVar:

NM_206965.2(FTCD):c.61G>A (p.Asp21Asn)

Gene: FTCD (formimidoyltransferase cyclodeaminase; minus strand). Cytogenetic location: 21q22.3.
Variant type: single nucleotide variant.
Coding change: c.61G>A on transcript NM_206965.2 (MANE Select); coding-DNA position 61, G replaced by A.
Protein change: p.Asp21Asn; replaces aspartic acid 21 with asparagine.
Molecular consequence: missense variant.
Genome position (GRCh38, 1-based): chr21:46,154,326, C>T on the plus strand (G>A on the coding strand, the complement: FTCD is on the minus strand). VCF-style: chr21-46154326-C-T. GRCh37 (hg19) VCF-style: chr21-47574240-C-T.
Other names: c.61G>A, p.Asp21Asn (NM_001320412.2, NM_006657.3); short protein forms D21N.
Identifiers: ClinVar variation 846913 (VCV000846913.10), dbSNP rs750462888, ClinGen allele CA10074075.
Genomic context (GRCh38, chr21:46,154,326, plus strand): 5'-CTGCGTCCACATCCAGCAGCACGCAGCCCGGGGTCTGTGTGATGGCTCCAGAGATGGCGT[C>T]GATCACCTGGGACACAGGCCCGGCCCCCACACCTCAGTCTCCCCGTTTGAAAGAAGGAAA-3'
Protein context (NP_996848.1, residues 11-31): FSEGKNQEVI[Asp21Asn]AISGAITQTP

ClinVar aggregate classification (germline): Uncertain significance. Review status: criteria provided, multiple submitters, no conflicts (2 of 4 stars). 2 submissions from 2 submitters: Uncertain significance (2). Last evaluated 2025-03-11.

Conditions:
Glutamate formiminotransferase deficiency. Also called: Arakawa syndrome 1; Formiminoglutamic aciduria. Identifiers: Orphanet 51208, MedGen C0268609, MONDO:0009240, OMIM 229100.
Inborn genetic diseases. Identifiers: MedGen C0950123, MeSH D030342.

Allele frequency attached by ClinVar (database versions not stated): gnomAD exomes 0.00002 and 0.00003; TOPMed 0.00002; ExAC 0.00003; gnomAD 0.00003 and 0.00004.
gnomAD v4.1: 54 of 1,609,752 alleles (0.0034%); highest among the groups gnomAD compares: South Asian, 0.0066%; no homozygotes.

Submissions (2):

Ambry Genetics
Classification: Uncertain significance for Inborn genetic diseases. Last evaluated: 2025-03-11. Review status: criteria provided, single submitter. Criteria: Ambry Variant Classification Scheme 2023. Collection method: clinical testing. Allele origin: germline.

Labcorp Genetics (formerly Invitae), Labcorp
Classification: Uncertain significance for Glutamate formiminotransferase deficiency. Last evaluated: 2019-11-25. Review status: criteria provided, single submitter. Criteria: Invitae Variant Classification Sherloc (09022015). Collection method: clinical testing. Allele origin: germline.
Comment: This sequence change replaces aspartic acid with asparagine at codon 21 of the FTCD protein (p.Asp21Asn). The aspartic acid residue is highly conserved and there is a small physicochemical difference between aspartic acid and asparagine. In summary, the available evidence is currently insufficient to determine the role of this variant in disease. Therefore, it has been classified as a Variant of Uncertain Significance. Algorithms developed to predict the effect of missense changes on protein structure and function are either unavailable or do not agree on the potential impact of this missense change (SIFT: "Deleterious"; PolyPhen-2: "Benign"; Align-GVGD: "Class C0"). This variant has not been reported in the literature in individuals with FTCD-related conditions. This variant is present in population databases (rs750462888, ExAC 0.007%).